The following is an entry in ClinVar:

ClinVar aggregate classification (germline): Uncertain significance. Review status: criteria provided, multiple submitters, no conflicts (2 of 4 stars). 3 submissions from 3 submitters: Uncertain significance (3). Last evaluated 2024-12-26.

Submissions (3):

GeneDx
Classification: Uncertain significance. Last evaluated: 2024-12-26. Review status: criteria provided, single submitter. Criteria: GeneDx Variant Classification Process June 2021. Collection method: clinical testing. Allele origin: germline. Affected: yes.
Comment: Not observed at significant frequency in large population cohorts (gnomAD); In silico analysis supports that this missense variant has a deleterious effect on protein structure/function; Has not been previously published as pathogenic or benign to our knowledge

Labcorp Genetics (formerly Invitae), Labcorp
Classification: Uncertain significance. Last evaluated: 2019-11-16. Review status: criteria provided, single submitter. Criteria: Invitae Variant Classification Sherloc (09022015). Collection method: clinical testing. Allele origin: germline.
Comment: This sequence change replaces isoleucine with methionine at codon 296 of the HTRA1 protein (p.Ile296Met). The isoleucine residue is highly conserved and there is a small physicochemical difference between isoleucine and methionine. This variant is not present in population databases (ExAC no frequency). This variant has been observed in individual(s) with clinical features of autosomal dominant cerebral arteriopathy with subcortical infarcts and leukoencephalopathy, or CADASIL (Invitae). ClinVar contains an entry for this variant (Variation ID: 493083). Algorithms developed to predict the effect of missense changes on protein structure and function are either unavailable or do not agree on the potential impact of this missense change (SIFT: "Deleterious"; PolyPhen-2: "Probably Damaging"; Align-GVGD: "Class C0"). Algorithms developed to predict the effect of sequence changes on RNA splicing suggest that this variant may create or strengthen a splice site, but this prediction has not been confirmed by published transcriptional studies. In summary, the available evidence is currently insufficient to determine the role of this variant in disease. Therefore, it has been classified as a Variant of Uncertain Significance.

CeGaT Center for Human Genetics Tuebingen
Classification: Uncertain significance. Last evaluated: 2017-07-01. Review status: criteria provided, single submitter. Criteria: CeGaT Center For Human Genetics Tuebingen Variant Classification Criteria Version 2. Collection method: clinical testing. Allele origin: germline. Affected: yes. Observed: 1 variant allele.

NM_002775.5(HTRA1):c.888C>G (p.Ile296Met)

Gene: HTRA1 (HtrA serine peptidase 1; plus strand). Cytogenetic location: 10q26.13.
Variant type: single nucleotide variant.
Coding change: c.888C>G on transcript NM_002775.5 (MANE Select); coding-DNA position 888, C replaced by G.
Protein change: p.Ile296Met; replaces isoleucine 296 with methionine.
Molecular consequence: missense variant.
Genome position (GRCh38, 1-based): chr10:122,506,801, C>G. VCF-style: chr10-122506801-C-G. GRCh37 (hg19) VCF-style: chr10-124266317-C-G.
Other names: short protein forms I296M.
Identifiers: ClinVar variation 493083 (VCV000493083.51), dbSNP rs775112869, ClinGen allele CA378585667.
Genomic context (GRCh38, chr10:122,506,801, plus strand): 5'-AGAGTTCGTGGTCGCCATCGGAAGCCCGTTTTCCCTTCAAAACACAGTCACCACCGGGAT[C>G]GTGAGCACCACCCAGCGAGGCGGCAAAGAGCTGGGGCTCCGCAACTCAGACATGGACTAC-3'
Protein context (NP_002766.1, residues 286-306): FSLQNTVTTG[Ile296Met]VSTTQRGGKE